The following is an entry in ClinVar:

ClinVar aggregate classification (germline): Uncertain significance (1 of 4 stars; one submission).

Submission:

Labcorp Genetics (formerly Invitae), Labcorp
Classification: Uncertain significance. Last evaluated: 2022-07-12. Review status: criteria provided, single submitter. Criteria: Invitae Variant Classification Sherloc (09022015). Collection method: clinical testing. Allele origin: germline.
Comment: This missense change has been observed in individual(s) with clinical features of USH2A-related conditions (Invitae). In summary, the available evidence is currently insufficient to determine the role of this variant in disease. Therefore, it has been classified as a Variant of Uncertain Significance. Algorithms developed to predict the effect of missense changes on protein structure and function are either unavailable or do not agree on the potential impact of this missense change (SIFT: "Deleterious"; PolyPhen-2: "Probably Damaging"; Align-GVGD: "Class C0"). ClinVar contains an entry for this variant (Variation ID: 1002824). This variant is not present in population databases (gnomAD no frequency). This sequence change replaces cysteine, which is neutral and slightly polar, with glycine, which is neutral and non-polar, at codon 4808 of the USH2A protein (p.Cys4808Gly).

NM_206933.4(USH2A):c.14422T>G (p.Cys4808Gly)

Gene: USH2A (usherin; minus strand). Cytogenetic location: 1q41.
Variant type: single nucleotide variant.
Coding change: c.14422T>G on transcript NM_206933.4 (MANE Select); coding-DNA position 14422, T replaced by G.
Protein change: p.Cys4808Gly; replaces cysteine 4808 with glycine.
Molecular consequence: missense variant.
Genome position (GRCh38, 1-based): chr1:215,648,688, A>C on the plus strand (T>G on the coding strand, the complement: USH2A is on the minus strand). VCF-style: chr1-215648688-A-C. GRCh37 (hg19) VCF-style: chr1-215822030-A-C.
Other names: short protein forms C4808G.
Identifiers: ClinVar variation 1002824 (VCV001002824.8), dbSNP rs1656943516, ClinGen allele CA344833873.